The following is an entry in ClinVar:

NM_001017420.3(ESCO2):c.503del (p.Asn168fs)

Gene: ESCO2 (establishment of sister chromatid cohesion N-acetyltransferase 2; plus strand). Cytogenetic location: 8p21.1.
Variant type: Deletion.
Coding change: c.503del on transcript NM_001017420.3 (MANE Select); coding-DNA position 503, one base deleted (A; older notation c.503delA).
Protein change: p.Asn168fs; shifts the reading frame from asparagine 168.
Molecular consequence: frameshift variant.
Genome position (GRCh38, 1-based): chr8:27,776,811, A deleted; the last of 4 consecutive A bases (chr8:27,776,808-27,776,811); deleting any one gives the same sequence. VCF-style (leftmost placement, unchanged base first): chr8-27776807-CA-C. GRCh37 (hg19) VCF-style: chr8-27634324-CA-C.
Other names: short protein forms N168fs.
Identifiers: ClinVar variation 1075786 (VCV001075786.5), dbSNP rs2128951192, ClinGen allele CA2499219214.

ClinVar aggregate classification (germline): Pathogenic (1 of 4 stars; one submission).

Submission:

Labcorp Genetics (formerly Invitae), Labcorp
Classification: Pathogenic. Last evaluated: 2023-07-18. Review status: criteria provided, single submitter. Criteria: Invitae Variant Classification Sherloc (09022015). Collection method: clinical testing. Allele origin: germline.
Comment: This variant has not been reported in the literature in individuals affected with ESCO2-related conditions. This sequence change creates a premature translational stop signal (p.Asn168Ilefs*3) in the ESCO2 gene. It is expected to result in an absent or disrupted protein product. Loss-of-function variants in ESCO2 are known to be pathogenic (PMID: 15821733, 16380922). This variant is not present in population databases (gnomAD no frequency). ClinVar contains an entry for this variant (Variation ID: 1075786). For these reasons, this variant has been classified as Pathogenic.

Literature cited by the submitters: PubMed 15821733; PubMed 16380922.